The following is an entry in ClinVar:

NM_020975.6(RET):c.1963T>C (p.Phe655Leu)

Gene: RET (ret proto-oncogene; plus strand). Cytogenetic location: 10q11.21.
Variant type: single nucleotide variant.
Coding change: c.1963T>C on transcript NM_020975.6 (MANE Select); coding-DNA position 1963, T replaced by C.
Protein change: p.Phe655Leu; replaces phenylalanine 655 with leucine.
Molecular consequence: missense variant.
Genome position (GRCh38, 1-based): chr10:43,114,563, T>C. VCF-style: chr10-43114563-T-C. GRCh37 (hg19) VCF-style: chr10-43610011-T-C.
Other names: c.1963T>C, p.Phe655Leu (NM_001406744.1, NM_001406759.1, NM_001406760.1 and 4 more transcripts); c.1834T>C, p.Phe612Leu (NM_001406761.1, NM_001406762.1, NM_001406764.1); c.1675T>C, p.Phe559Leu (NM_001406766.1, NM_001406767.1, NM_001406770.1); c.1567T>C, p.Phe523Leu (NM_001406769.1, NM_001406772.1); c.1525T>C, p.Phe509Leu (NM_001406771.1, NM_001406773.1); c.1438T>C, p.Phe480Leu (NM_001406774.1); c.1237T>C, p.Phe413Leu (NM_001406775.1, NM_001406776.1, NM_001406777.1 and 1 more transcripts); c.1066T>C, p.Phe356Leu (NM_001406779.1, NM_001406780.1, NM_001406781.1 and 1 more transcripts); and 7 more; short protein forms F655L, F401L, F172L, F480L, F509L, F559L, F260L, F325L.
Identifiers: ClinVar variation 543730 (VCV000543730.15), dbSNP rs756978792, ClinGen allele CA036702.

ClinVar aggregate classification (germline): Conflicting classifications of pathogenicity. Review status: criteria provided, conflicting classifications (1 of 4 stars). 3 submissions from 3 submitters: Uncertain significance (2); Likely benign (1). Last evaluated 2026-01-12.

Conditions:
Hereditary cancer-predisposing syndrome. Also called: Tumor predisposition; Hereditary neoplastic syndrome; Neoplastic Syndromes, Hereditary; Hereditary Cancer Syndrome. Identifiers: Orphanet 140162, MedGen C0027672, MeSH D009386, MONDO:0015356.
Multiple endocrine neoplasia, type 2 (MEN2). Identifiers: Orphanet 653, MedGen C4048306, MONDO:0019003. Disease mechanism: gain of function.
RET-related disorder. Also called: RET-related condition; RET-related disease; RET-related disorders.

Allele frequency attached by ClinVar (database versions not stated): gnomAD exomes below 0.00001 and 0.00002; ExAC 0.00001; TOPMed 0.00001.
gnomAD v4.1: 6 of 1,611,984 alleles (0.00037%); highest among the groups gnomAD compares: Admixed American, 0.01%; no homozygotes.

Submissions (3):

Labcorp Genetics (formerly Invitae), Labcorp
Classification: Uncertain significance for Multiple endocrine neoplasia, type 2. Last evaluated: 2026-01-12. Review status: criteria provided, single submitter. Criteria: Invitae Variant Classification Sherloc (09022015). Collection method: clinical testing. Allele origin: germline.
Comment: This sequence change replaces phenylalanine, which is neutral and non-polar, with leucine, which is neutral and non-polar, at codon 655 of the RET protein (p.Phe655Leu). This variant is present in population databases (rs756978792, gnomAD 0.01%). This variant has not been reported in the literature in individuals affected with RET-related conditions. ClinVar contains an entry for this variant (Variation ID: 543730). An algorithm developed to predict the effect of missense changes on protein structure and function (PolyPhen-2) suggests that this variant is likely to be tolerated. In summary, the available evidence is currently insufficient to determine the role of this variant in disease. Therefore, it has been classified as a Variant of Uncertain Significance.

PreventionGenetics, part of Exact Sciences
Classification: Uncertain significance for RET-related condition. Last evaluated: 2025-05-23. Review status: criteria provided, single submitter. Criteria: ACMG Guidelines, 2015. Collection method: clinical testing. Allele origin: germline.
Comment: The RET c.1963T>C variant is predicted to result in the amino acid substitution p.Phe655Leu. To our knowledge, this variant has not been reported in the literature. This variant is reported in 0.012% of alleles in individuals of Latino descent in gnomAD, and has conflicting classifications in ClinVar ranging from likely benign to uncertain. Although we suspect that this variant may be benign, at this time, the clinical significance of this variant is uncertain due to the absence of conclusive functional and genetic evidence.

Ambry Genetics
Classification: Likely benign for Hereditary cancer-predisposing syndrome. Last evaluated: 2022-08-31. Review status: criteria provided, single submitter. Criteria: Ambry Variant Classification Scheme 2023. Collection method: clinical testing. Allele origin: germline.